The following is an entry in ClinVar:

Conditions:
Breast-ovarian cancer, familial, susceptibility to, 1 (BROVCA1). Also called: BRCA1 Hereditary Breast and Ovarian Cancer; OVARIAN CANCER, SUSCEPTIBILITY TO. Identifiers: Orphanet 145, MedGen C2676676, MONDO:0011450, OMIM 604370. Disease mechanism: loss of function.

gnomAD v4.1: 1 of 1,613,842 alleles (0.000062%); highest among the groups gnomAD compares: Non-Finnish European, 0.000085%; no homozygotes.

Submission:

Brotman Baty Institute, University of Washington
No classification provided (evidence only). Condition: Breast-ovarian cancer, familial 1. Review status: no classification provided. Collection method: in vitro. Allele origin: not applicable. Functional consequence: functionally_normal.
ClinVar note: "not provided" was previously submitted as the classification for the variant. However, the classification appeared to be based only on an observation of functional data so it was converted to no classification on 2025-07-30.

NM_007294.4(BRCA1):c.5531T>A (p.Leu1844His)

Gene: BRCA1 (BRCA1 DNA repair associated; minus strand). Cytogenetic location: 17q21.31.
Variant type: single nucleotide variant.
Coding change: c.5531T>A on transcript NM_007294.4 (MANE Select); coding-DNA position 5531, T replaced by A.
Protein change: p.Leu1844His; replaces leucine 1844 with histidine.
Molecular consequence: missense variant. On other transcripts: 3 prime UTR variant (1), non-coding transcript variant (1).
Genome position (GRCh38, 1-based): chr17:43,045,739, A>T on the plus strand (T>A on the coding strand, the complement: BRCA1 is on the minus strand). VCF-style: chr17-43045739-A-T. GRCh37 (hg19) VCF-style: chr17-41197756-A-T.
Other names: c.5402T>A, p.Leu1801His (NM_001407685.1, NM_001407686.1, NM_001407687.1 and 6 more transcripts); c.5525T>A, p.Leu1842His (NM_001407638.1, NM_001407639.1, NM_001407640.1 and 13 more transcripts); c.5390T>A, p.Leu1797His (NM_001407724.1, NM_001407725.1, NM_001407726.1 and 12 more transcripts); c.5522T>A, p.Leu1841His (NM_001407644.1, NM_001407645.1); c.5519T>A, p.Leu1840His (NM_001407646.1); c.5516T>A, p.Leu1839His (NM_001407647.1); c.5474T>A, p.Leu1825His (NM_001407648.1); c.2222T>A, p.Leu741His (NM_001407977.1, NM_001407978.1, NM_001407973.1 and 3 more transcripts); and 74 more; short protein forms L1797H, L740H, L1844H, L1865H, L1717H, L1732H, L1756H, L1772H.
Identifiers: ClinVar variation 868627 (VCV000868627.3), dbSNP rs80357323, ClinGen allele CA10590258.